The following is an entry in ClinVar:

ClinVar aggregate classification (germline): Uncertain significance (1 of 4 stars; one submission).

Conditions:
NCOA1-related disorder. Also called: NCOA1-related condition.

Submission:

PreventionGenetics, part of Exact Sciences
Classification: Uncertain significance for NCOA1-related condition. Last evaluated: 2025-12-31. Review status: criteria provided, single submitter. Criteria: ACMG Guidelines, 2015. Collection method: clinical testing. Allele origin: germline.
Comment: The NCOA1 c.3323T>C variant is predicted to result in the amino acid substitution p.Met1108Thr. To our knowledge, this variant has not been reported in the literature or in a large population database (gnomAD), indicating this variant is rare. At this time, the clinical significance of this variant is uncertain due to the absence of conclusive functional and genetic evidence.

NM_003743.5(NCOA1):c.3323T>C (p.Met1108Thr)

Gene: NCOA1 (nuclear receptor coactivator 1; plus strand). Cytogenetic location: 2p23.3.
Variant type: single nucleotide variant.
Coding change: c.3323T>C on transcript NM_003743.5 (MANE Select); coding-DNA position 3323, T replaced by C.
Protein change: p.Met1108Thr; replaces methionine 1108 with threonine.
Molecular consequence: missense variant.
Genome position (GRCh38, 1-based): chr2:24,741,803, T>C. VCF-style: chr2-24741803-T-C. GRCh37 (hg19) VCF-style: chr2-24964672-T-C.
Other names: c.3323T>C, p.Met1108Thr (NM_001362950.1, NM_001362952.1, NM_001362954.1 and 3 more transcripts); short protein forms M1108T.
Identifiers: ClinVar variation 4990836 (VCV004990836.1).